The following is an entry in ClinVar:

NM_017514.5(PLXNA3):c.3026A>C (p.Asn1009Thr)

Gene: PLXNA3 (plexin A3; plus strand). Cytogenetic location: Xq28.
Variant type: single nucleotide variant.
Coding change: c.3026A>C on transcript NM_017514.5 (MANE Select); coding-DNA position 3026, A replaced by C.
Protein change: p.Asn1009Thr; replaces asparagine 1009 with threonine.
Molecular consequence: missense variant.
Genome position (GRCh38, 1-based): chrX:154,466,712, A>C. VCF-style: chrX-154466712-A-C. GRCh37 (hg19) VCF-style: chrX-153695055-A-C.
Other names: short protein forms N1009T.
Identifiers: ClinVar variation 2385532 (VCV002385532.4), dbSNP rs376854661, ClinGen allele CA10564540.
Genomic context (GRCh38, chrX:154,466,712, plus strand): 5'-CACCTCTCTCCACCCTGGGCCCCAGCCAGGCCCCCATCACACTTGCCATTGACCGGGCTA[A>C]CATCTCCAGCCCCGGGCTCATCTACACCTACACTCAGGACCCCACCGTCACCCGCCTTGA-3'
Protein context (NP_059984.3, residues 999-1019): APITLAIDRA[Asn1009Thr]ISSPGLIYTY

ClinVar aggregate classification (germline): Uncertain significance. Review status: criteria provided, multiple submitters, no conflicts (2 of 4 stars). 2 submissions from 2 submitters: Uncertain significance (2). Last evaluated 2026-04-29.

Conditions:
PLXNA3-related disorder. Also called: PLXNA3-related condition.

Allele frequency attached by ClinVar (database versions not stated): TOPMed 0.00004; ExAC 0.00005; gnomAD 0.00005; ESP Exome Variant Server 0.00009; gnomAD exomes 0.00012.
gnomAD v4.1: 133 of 1,196,485 alleles (0.011%); highest among the groups gnomAD compares: Non-Finnish European, 0.015%; no homozygotes.

Submissions (2):

PreventionGenetics, part of Exact Sciences
Classification: Uncertain significance for PLXNA3-related condition. Last evaluated: 2026-04-29. Review status: criteria provided, single submitter. Criteria: ACMG Guidelines, 2015. Collection method: clinical testing. Allele origin: germline.
Comment: The PLXNA3 c.3026A>C variant is predicted to result in the amino acid substitution p.Asn1009Thr. To our knowledge, this variant has not been reported in the literature. This variant is reported in 0.0052% of alleles in individuals of European (Non-Finnish) descent in gnomAD. At this time, the clinical significance of this variant is uncertain due to the absence of conclusive functional and genetic evidence.

Ambry Genetics
Classification: Uncertain significance. Last evaluated: 2021-08-09. Review status: criteria provided, single submitter. Criteria: Ambry Variant Classification Scheme 2023. Collection method: clinical testing. Allele origin: germline.